The following is an entry in ClinVar:

ClinVar aggregate classification (germline): Likely benign (1 of 4 stars; one submission).

Conditions:
SEMA7A-related disorder. Also called: SEMA7A-related condition.

Submission:

PreventionGenetics, part of Exact Sciences
Classification: Likely benign for SEMA7A-related condition. Last evaluated: 2026-04-08. Review status: criteria provided, single submitter. Criteria: ACMG Guidelines, 2015. Collection method: clinical testing. Allele origin: germline.
Comment: This variant is classified as likely benign based on ACMG/AMP sequence variant interpretation guidelines (Richards et al. 2015 PMID: 25741868, with internal and published modifications).

NM_003612.5(SEMA7A):c.1164G>A (p.Ala388=)

Gene: SEMA7A (semaphorin 7A (JohnMiltonHagen blood group); minus strand). Cytogenetic location: 15q24.1.
Variant type: single nucleotide variant.
Coding change: c.1164G>A on transcript NM_003612.5 (MANE Select); coding-DNA position 1164, G replaced by A.
Protein change: p.Ala388=; no amino-acid change (alanine 388 retained).
Molecular consequence: synonymous variant.
Genome position (GRCh38, 1-based): chr15:74,414,677, C>T on the plus strand (G>A on the coding strand, the complement: SEMA7A is on the minus strand). VCF-style: chr15-74414677-C-T. GRCh37 (hg19) VCF-style: chr15-74707018-C-T.
Other names: c.1122G>A, p.Ala374= (NM_001146029.3); c.669G>A, p.Ala223= (NM_001146030.3).
Identifiers: ClinVar variation 4977815 (VCV004977815.1).